The following is an entry in ClinVar:

NM_001244008.2(KIF1A):c.4544C>T (p.Pro1515Leu)

Gene: KIF1A (kinesin family member 1A; minus strand). Cytogenetic location: 2q37.3.
Variant type: single nucleotide variant.
Coding change: c.4544C>T on transcript NM_001244008.2 (MANE Select); coding-DNA position 4544, C replaced by T.
Protein change: p.Pro1515Leu; replaces proline 1515 with leucine.
Molecular consequence: missense variant.
Genome position (GRCh38, 1-based): chr2:240,722,577, G>A on the plus strand (C>T on the coding strand, the complement: KIF1A is on the minus strand). VCF-style: chr2-240722577-G-A. GRCh37 (hg19) VCF-style: chr2-241661994-G-A.
Other names: c.4268C>T, p.Pro1423Leu (NM_001320705.2, NM_001379649.1); c.4295C>T, p.Pro1432Leu (NM_001330289.2); c.4343C>T, p.Pro1448Leu (NM_001330290.2, NM_001379648.1); c.4619C>T, p.Pro1540Leu (NM_001379631.1); c.4520C>T, p.Pro1507Leu (NM_001379632.1); c.4517C>T, p.Pro1506Leu (NM_001379633.1, NM_001379645.1); c.4370C>T, p.Pro1457Leu (NM_001379634.1); c.4367C>T, p.Pro1456Leu (NM_001379635.1, NM_001379646.1); and 7 more; short protein forms P1414L, P1515L, P1432L, P1448L, P1423L, P1413L, P1422L, P1431L.
Identifiers: ClinVar variation 450382 (VCV000450382.45), dbSNP rs867230401, ClinGen allele CA68137691.

ClinVar aggregate classification (germline): Conflicting classifications of pathogenicity. Review status: criteria provided, conflicting classifications (1 of 4 stars). 3 submissions from 3 submitters: Uncertain significance (2); Likely benign (1). Last evaluated 2025-12-24.

Conditions:
Hereditary spastic paraplegia 30. Identifiers: Orphanet 101010, MedGen C5235139, MONDO:0012476.
Neuropathy, hereditary sensory, type 2C. Also called: Hereditary sensory and autonomic neuropathy type IIC; KIF1A-Related HSAN2 (HSAN2C). Identifiers: Orphanet 970, MedGen C3280168, MONDO:0013634, OMIM 614213.
Intellectual disability, autosomal dominant 9 (NESCAVS). Also called: NESCAV SYNDROME; KIF1A-Related Neurodevelopmental Disorder. Identifiers: Orphanet 662367, MedGen C5393830, MONDO:0013656, OMIM 614255.

Allele frequency attached by ClinVar (database versions not stated): gnomAD 0.00001; TOPMed 0.00002.
gnomAD v4.1: 31 of 1,559,924 alleles (0.002%); highest among the groups gnomAD compares: East Asian, 0.0071%; no homozygotes.

Submissions (3):

Labcorp Genetics (formerly Invitae), Labcorp
Classification: Likely benign for Hereditary spastic paraplegia 30; Neuropathy, hereditary sensory, type 2C; Intellectual disability, autosomal dominant 9. Last evaluated: 2025-12-24. Review status: criteria provided, single submitter. Criteria: Invitae Variant Classification Sherloc (09022015). Collection method: clinical testing. Allele origin: germline.

CeGaT Center for Human Genetics Tuebingen
Classification: Uncertain significance. Last evaluated: 2020-08-01. Review status: criteria provided, single submitter. Criteria: CeGaT Center For Human Genetics Tuebingen Variant Classification Criteria Version 2. Collection method: clinical testing. Allele origin: germline. Affected: yes. Observed: 2 variant alleles.

GeneDx
Classification: Uncertain significance. Last evaluated: 2017-07-13. Review status: criteria provided, single submitter. Criteria: GeneDx Variant Classification (06012015). Collection method: clinical testing. Allele origin: germline. Affected: yes.
Comment: A variant of uncertain significance has been identified in the KIF1A gene. The P1414L variant has not been published as a pathogenic variant, nor has it been reported as a benign variant to our knowledge. The P1414L variant is not observed in large population cohorts (Lek et al., 2016; 1000 Genomes Consortium et al., 2015; Exome Variant Server). The P1414L variant is a semi-conservative amino acid substitution, which may impact secondary protein structure as these residues differ in some properties. This substitution occurs at a position that is conserved in mammals and in silico analysis predicts this variant is probably damaging to the protein structure/function. However, this amino acid substitution does not occur within the predicted motor domain of the protein, where all pathogenic missense KIF1A pathogenic variants have been identified to-date (Lee et al., 2014). Therefore, based on the currently available information, it is unclear whether this variant is a pathogenic variant or a rare benign variant.